The following is an entry in ClinVar:

NM_006759.4(UGP2):c.1314+3A>G

Gene: UGP2 (UDP-glucose pyrophosphorylase 2; plus strand). Cytogenetic location: 2p15.
Variant type: single nucleotide variant.
Coding change: c.1314+3A>G on transcript NM_006759.4 (MANE Select); 3 bases into the intron after coding-DNA position 1314, A replaced by G.
Molecular consequence: intron variant.
Genome position (GRCh38, 1-based): chr2:63,887,647, A>G. VCF-style: chr2-63887647-A-G. GRCh37 (hg19) VCF-style: chr2-64114781-A-G.
Other names: c.954+3A>G (NM_001377529.1, NM_001377526.1, NM_001377528.1 and 1 more transcripts); c.1281+3A>G (NM_001377525.1, NM_001001521.2, NM_001377524.1).
Identifiers: ClinVar variation 2223149 (VCV002223149.2), dbSNP rs769781545, ClinGen allele CA1683418.

ClinVar aggregate classification (germline): Uncertain significance (1 of 4 stars; one submission).

Conditions:
Inborn genetic diseases. Identifiers: MedGen C0950123, MeSH D030342.

Allele frequency attached by ClinVar (database versions not stated): gnomAD 0.00005; ExAC 0.00007; TOPMed 0.00009; gnomAD exomes 0.00014.

Submission:

Ambry Genetics
Classification: Uncertain significance for Inborn genetic diseases. Last evaluated: 2021-10-19. Review status: criteria provided, single submitter. Criteria: Ambry Variant Classification Scheme 2023. Collection method: clinical testing. Allele origin: germline.
Comment: The c.1314+3A>G intronic alteration consists of a A to G substitution 3 nucleotides after exon 8 of the UGP2 gene. Based on insufficient or conflicting evidence, the clinical significance of this alteration remains unclear.